The following is an entry in ClinVar:

NM_000038.6(APC):c.1966C>T (p.Leu656=)

Gene: APC (APC regulator of Wnt signaling pathway; plus strand). Cytogenetic location: 5q22.2.
Variant type: single nucleotide variant.
Coding change: c.1966C>T on transcript NM_000038.6 (MANE Select); coding-DNA position 1966, C replaced by T.
Protein change: p.Leu656=; no amino-acid change (leucine 656 retained).
Molecular consequence: synonymous variant.
Genome position (GRCh38, 1-based): chr5:112,837,560, C>T. VCF-style: chr5-112837560-C-T. GRCh37 (hg19) VCF-style: chr5-112173257-C-T.
Other names: c.1966C>T, p.Leu656= (NM_001127510.3, NM_001354895.2); c.1912C>T, p.Leu638= (NM_001127511.3); c.2020C>T, p.Leu674= (NM_001354896.2); c.1996C>T, p.Leu666= (NM_001354897.2); c.1891C>T, p.Leu631= (NM_001354898.2); c.1882C>T, p.Leu628= (NM_001354899.2); c.1843C>T, p.Leu615= (NM_001354900.2); c.1789C>T, p.Leu597= (NM_001354901.2); and 5 more.
Identifiers: ClinVar variation 928048 (VCV000928048.10), dbSNP rs577466163, ClinGen allele CA445963267.

ClinVar aggregate classification (germline): Benign/Likely benign. Review status: criteria provided, multiple submitters, no conflicts (2 of 4 stars). 4 submissions from 4 submitters: Benign (1); Likely benign (3). Last evaluated 2024-03-08.

Conditions:
Hereditary cancer-predisposing syndrome. Also called: Neoplastic Syndromes, Hereditary; Hereditary Cancer Syndrome; Tumor predisposition; Hereditary neoplastic syndrome. Identifiers: Orphanet 140162, MedGen C0027672, MeSH D009386, MONDO:0015356.
Familial adenomatous polyposis 1 (FAP1). Also called: FAMILIAL ADENOMATOUS POLYPOSIS 1, ATTENUATED; POLYPOSIS, ADENOMATOUS INTESTINAL. Identifiers: MedGen C2713442, MONDO:0021056, OMIM 175100. Disease mechanism: loss of function.

Submissions (4):

Myriad Genetics, Inc.
Classification: Benign for Familial adenomatous polyposis 1. Last evaluated: 2024-03-08. Review status: criteria provided, single submitter. Criteria: Myriad Autosomal Dominant, Autosomal Recessive and X-Linked Classification Criteria (2023). Collection method: clinical testing. Allele origin: unknown.
Comment: This variant is considered benign. This variant is a silent/synonymous amino acid change and it is not expected to impact splicing.

Labcorp Genetics (formerly Invitae), Labcorp
Classification: Likely benign for Familial adenomatous polyposis 1. Last evaluated: 2023-07-17. Review status: criteria provided, single submitter. Criteria: Invitae Variant Classification Sherloc (09022015). Collection method: clinical testing. Allele origin: germline.

Color Diagnostics, LLC DBA Color Health
Classification: Likely benign for Hereditary cancer-predisposing syndrome. Last evaluated: 2019-05-28. Review status: criteria provided, single submitter. Criteria: ACMG Guidelines, 2015. Collection method: clinical testing. Allele origin: germline.

Ambry Genetics
Classification: Likely benign for Hereditary cancer-predisposing syndrome. Last evaluated: 2017-10-03. Review status: criteria provided, single submitter. Criteria: Ambry Variant Classification Scheme 2023. Collection method: clinical testing. Allele origin: germline.